The following is an entry in ClinVar:

ClinVar aggregate classification (germline): Uncertain significance. Review status: criteria provided, multiple submitters, no conflicts (2 of 4 stars). 2 submissions from 2 submitters: Uncertain significance (2). Last evaluated 2023-11-21.

Conditions:
Larsen syndrome (LRS). Also called: Larsen syndrome (FLNB-LS); Bilateral dislocation of the knees, pes cavus, cylindrically shaped fingers and characteristic facies. Identifiers: Orphanet 503, MedGen C0175778, MONDO:0007875, OMIM 150250. Disease mechanism: loss of function.

Allele frequency attached by ClinVar (database versions not stated): TOPMed below 0.00001; gnomAD 0.00001; gnomAD exomes 0.00001.

Submissions (2):

Blueprint Genetics
Classification: Uncertain significance. Last evaluated: 2023-11-21. Review status: criteria provided, single submitter. Criteria: ACMG Guidelines, 2015. Collection method: clinical testing. Allele origin: germline.

Neuberg Centre For Genomic Medicine, NCGM
Classification: Uncertain significance for Larsen syndrome. Review status: criteria provided, single submitter. Criteria: ACMG Guidelines, 2015. Collection method: clinical testing. Allele origin: germline. Inheritance: Autosomal dominant inheritance. Affected: yes.
Comment: The missense c.928G>A p.Asp310Asn variant in FLNB gene has not been reported previously as a pathogenic variant nor as a benign variant, to our knowledge. The p.Asp310Asn variant is novel not in any individuals in gnomAD Exomes and 1000 Genomes. This variant has not been reported to the ClinVar database. The amino acid change p.Asp310Asn in FLNB is predicted as conserved by GERP++ and PhyloP across 100 vertebrates. The amino acid Asp at position 310 is changed to a Asn changing protein sequence and it might alter its composition and physico-chemical properties. For these reasons, this variant has been classified as a Variant of Uncertain Significance VUS.

NM_001457.4(FLNB):c.928G>A (p.Asp310Asn)

Gene: FLNB (filamin B; plus strand). Cytogenetic location: 3p14.3.
Variant type: single nucleotide variant.
Coding change: c.928G>A on transcript NM_001457.4 (MANE Select); coding-DNA position 928, G replaced by A.
Protein change: p.Asp310Asn; replaces aspartic acid 310 with asparagine.
Molecular consequence: missense variant.
Genome position (GRCh38, 1-based): chr3:58,096,162, G>A. VCF-style: chr3-58096162-G-A. GRCh37 (hg19) VCF-style: chr3-58081889-G-A.
Other names: c.928G>A, p.Asp310Asn (NM_001164317.2, NM_001164318.2, NM_001164319.2); short protein forms D310N.
Identifiers: ClinVar variation 3234968 (VCV003234968.2), dbSNP rs1576709484, ClinGen allele CA353335223.
Genomic context (GRCh38, chr3:58,096,162, plus strand): 5'-CCGGCACCTTTTCTAACTGTTGCCCACCTTCCCTCCTAGGCACAAGTGACCCCTGACAGT[G>A]ACAAGAACAAGACATACTCTGTGGAGTATCTGCCCAAGGTCACCGGGCTACACAAAGTAA-3'
Protein context (NP_001448.2, residues 300-320): KEEAQVTPDS[Asp310Asn]KNKTYSVEYL